The following is an entry in ClinVar:

ClinVar aggregate classification (germline): Conflicting classifications of pathogenicity. Review status: criteria provided, conflicting classifications (1 of 4 stars). 10 submissions from 10 submitters: Uncertain significance (2); Likely benign (6). 2 of the submissions do not count toward it. Last evaluated 2026-05-01.

Conditions:
Sotos syndrome (SOTOS). Also called: CHROMOSOME 5q35 DELETION SYNDROME; CEREBRAL GIGANTISM; SOTOS SYNDROME 1; Sotos' syndrome; Distinctive facial appearance, overgrowth in childhood, and learning disabilities or delayed development. Identifiers: Orphanet 821, MedGen C0175695, MONDO:0019349, OMIM 117550.
Inborn genetic diseases. Identifiers: MedGen C0950123, MeSH D030342.

Allele frequency attached by ClinVar (database versions not stated): ExAC 0.00018; TOPMed 0.00028; 1000 Genomes Project 30x 0.00031; gnomAD 0.00033 and 0.00036; ESP Exome Variant Server 0.00038.
gnomAD v4.1: 416 of 1,614,090 alleles (0.026%); highest among the groups gnomAD compares: Admixed American, 0.037%; no homozygotes.

Submissions (10):

CeGaT Center for Human Genetics Tuebingen
Classification: Likely benign. Last evaluated: 2026-05-01. Review status: criteria provided, single submitter. Criteria: CeGaT Center For Human Genetics Tuebingen Variant Classification Criteria Version 2. Collection method: clinical testing. Allele origin: germline. Affected: yes. Observed: 5 variant alleles.
Comment: NSD1: BP4, BS2

Labcorp Genetics (formerly Invitae), Labcorp
Classification: Likely benign. Last evaluated: 2026-01-28. Review status: criteria provided, single submitter. Criteria: Invitae Variant Classification Sherloc (09022015). Collection method: clinical testing. Allele origin: germline.

Laboratory of Genetics, Children's Clinical University Hospital Latvia
Classification: Likely benign. Last evaluated: 2025-02-16. Review status: criteria provided, single submitter. Criteria: ACMG Guidelines, 2015. Collection method: clinical testing. Allele origin: germline. Affected: yes.

Institute for Clinical Genetics, University Hospital TU Dresden, University Hospital TU Dresden
Classification: Uncertain significance. Last evaluated: 2021-11-03. Review status: criteria provided, single submitter. Criteria: ACMG Guidelines, 2015. Collection method: clinical testing. Allele origin: germline.

Genome-Nilou Lab
Classification: Likely benign for Sotos syndrome. Last evaluated: 2021-07-15. Review status: criteria provided, single submitter. Criteria: ACMG Guidelines, 2015. Collection method: clinical testing. Allele origin: germline. Affected: no.

Revvity Omics, Revvity
Classification: Uncertain significance for Sotos syndrome. Last evaluated: 2021-02-05. Review status: criteria provided, single submitter. Criteria: ACMG Guidelines, 2015. Collection method: clinical testing. Allele origin: germline.

GeneDx
Classification: Likely benign. Last evaluated: 2019-12-02. Review status: criteria provided, single submitter. Criteria: GeneDx Variant Classification Process June 2021. Collection method: clinical testing. Allele origin: germline. Affected: yes.

Ambry Genetics
Classification: Likely benign for Inborn genetic diseases. Last evaluated: 2018-07-16. Review status: criteria provided, single submitter. Criteria: Ambry Variant Classification Scheme 2023. Collection method: clinical testing. Allele origin: germline.

Clinical Genetics DNA and cytogenetics Diagnostics Lab, Erasmus MC, Erasmus Medical Center
Classification: Likely benign. Review status: no assertion criteria provided. Collection method: clinical testing. Allele origin: germline. Affected: yes. Study: VKGL Data-share Consensus. Not counted in ClinVar's aggregate classification.

Laboratory of Diagnostic Genome Analysis, Leiden University Medical Center (LUMC)
Classification: Likely benign. Review status: no assertion criteria provided. Collection method: clinical testing. Allele origin: germline. Affected: yes. Study: VKGL Data-share Consensus. Not counted in ClinVar's aggregate classification.

NM_022455.5(NSD1):c.3215G>A (p.Arg1072Gln)

Gene: NSD1 (nuclear receptor binding SET domain protein 1; plus strand). Cytogenetic location: 5q35.3.
Variant type: single nucleotide variant.
Coding change: c.3215G>A on transcript NM_022455.5 (MANE Select); coding-DNA position 3215, G replaced by A.
Protein change: p.Arg1072Gln; replaces arginine 1072 with glutamine.
Molecular consequence: missense variant.
Genome position (GRCh38, 1-based): chr5:177,211,614, G>A. VCF-style: chr5-177211614-G-A. GRCh37 (hg19) VCF-style: chr5-176638615-G-A.
Other names: c.2342G>A, p.Arg781Gln (NM_172349.5, NM_001365684.2, NM_001409306.1 and 3 more transcripts); c.3215G>A, p.Arg1072Gln (NM_001409301.1, NM_001409302.1, NM_001409303.1); c.2795G>A, p.Arg932Gln (NM_001409304.1); c.2462G>A, p.Arg821Gln (NM_001409305.1); short protein forms R1072Q, R803Q, R781Q, R821Q, R932Q.
Identifiers: ClinVar variation 449587 (VCV000449587.50), dbSNP rs28932180, ClinGen allele CA3577396.